The following is an entry in ClinVar:

NM_000052.7(ATP7A):c.17G>A (p.Gly6Asp)

Gene: ATP7A (ATPase copper transporting alpha; plus strand). Cytogenetic location: Xq21.1.
Variant type: single nucleotide variant.
Coding change: c.17G>A on transcript NM_000052.7 (MANE Select); coding-DNA position 17, G replaced by A.
Protein change: p.Gly6Asp; replaces glycine 6 with aspartic acid.
Molecular consequence: missense variant. On other transcripts: non-coding transcript variant (1).
Genome position (GRCh38, 1-based): chrX:77,971,658, G>A. VCF-style: chrX-77971658-G-A. GRCh37 (hg19) VCF-style: chrX-77227155-G-A.
Other names: c.17G>A, p.Gly6Asp (NM_001282224.2); short protein forms G6D.
Identifiers: ClinVar variation 852398 (VCV000852398.10), dbSNP rs2077547692, ClinGen allele CA413597638.
Genomic context (GRCh38, chrX:77,971,658, plus strand): 5'-AATGAATTTATTGTTTCTAACAGGAATGTAATGAGGAAATCAAAATGGATCCAAGTATGG[G>A]TGTGAATTCTGTTACCATTTCTGTTGAGGGTATGACTTGCAATTCCTGTGTTTGGACCAT-3'
Protein context (NP_000043.4, residues 1-16): MDPSM[Gly6Asp]VNSVTISVEG

ClinVar aggregate classification (germline): Uncertain significance (1 of 4 stars; one submission).

Conditions:
Menkes kinky-hair syndrome (MNK). Also called: Copper transport disease; Classic Menkes Disease; Menkes Disease. Identifiers: Orphanet 565, MedGen C0022716, MONDO:0010651, OMIM 309400.
Cutis laxa, X-linked (OHS). Also called: EDS IX; Occipital horn syndrome. Identifiers: Orphanet 198, MedGen C0268353, MONDO:0010572, OMIM 304150.
X-linked distal spinal muscular atrophy type 3. Also called: SPINAL MUSCULAR ATROPHY, DISTAL, X-LINKED RECESSIVE; NEURONOPATHY, DISTAL HEREDITARY MOTOR, X-LINKED; NEUROPATHY, DISTAL HEREDITARY MOTOR, X-LINKED; ATP7A-Related Distal Motor Neuropathy. Identifiers: Orphanet 139557, MedGen C1845359, MONDO:0010338, OMIM 300489.

Allele frequency attached by ClinVar (database versions not stated): gnomAD exomes below 0.00001.
gnomAD v4.1: 1 of 1,210,493 alleles (0.000083%); highest among the groups gnomAD compares: Non-Finnish European, 0.00011%; no homozygotes.

Submission:

Labcorp Genetics (formerly Invitae), Labcorp
Classification: Uncertain significance for X-linked distal spinal muscular atrophy type 3; Cutis laxa, X-linked; Menkes kinky-hair syndrome. Last evaluated: 2025-07-14. Review status: criteria provided, single submitter. Criteria: Invitae Variant Classification Sherloc (09022015). Collection method: clinical testing. Allele origin: germline.
Comment: This sequence change replaces glycine, which is neutral and non-polar, with aspartic acid, which is acidic and polar, at codon 6 of the ATP7A protein (p.Gly6Asp). This variant is not present in population databases (gnomAD no frequency). This variant has not been reported in the literature in individuals affected with ATP7A-related conditions. ClinVar contains an entry for this variant (Variation ID: 852398). Invitae Evidence Modeling of protein sequence and biophysical properties (such as structural, functional, and spatial information, amino acid conservation, physicochemical variation, residue mobility, and thermodynamic stability) indicates that this missense variant is not expected to disrupt ATP7A protein function with a negative predictive value of 95%. In summary, the available evidence is currently insufficient to determine the role of this variant in disease. Therefore, it has been classified as a Variant of Uncertain Significance.